The following is an entry in ClinVar:

NM_000059.4(BRCA2):c.9542dup (p.Met3181fs)

Gene: BRCA2 (BRCA2 DNA repair associated; plus strand). Cytogenetic location: 13q13.1.
Variant type: Duplication.
Coding change: c.9542dup on transcript NM_000059.4 (MANE Select); coding-DNA position 9542, one base duplicated (T; older notation c.9542dupT).
Protein change: p.Met3181fs; shifts the reading frame from methionine 3181.
Molecular consequence: frameshift variant.
Genome position (GRCh38, 1-based): chr13:32,396,938, T duplicated. VCF-style (leftmost placement, unchanged base first): chr13-32396937-A-AT. GRCh37 (hg19) VCF-style: chr13-32971074-A-AT.
Other names: short protein forms M3181fs.
Identifiers: ClinVar variation 1400844 (VCV001400844.6), dbSNP rs2137658996, ClinGen allele CA2573149520.

ClinVar aggregate classification (germline): Pathogenic (1 of 4 stars; one submission).

Conditions:
Hereditary breast ovarian cancer syndrome. Also called: Hereditary breast and ovarian cancer; Hereditary breast and ovarian cancer syndrome; Breast and ovarian cancer; BRCA1- and BRCA2-Associated Hereditary Breast and Ovarian Cancer; Hereditary breast and ovarian cancer syndrome (HBOC); Hereditary breast and/or ovarian cancer syndrome. Identifiers: Orphanet 145, MedGen C0677776, MeSH D061325, MONDO:0003582. Disease mechanism: loss of function.

Submission:

Labcorp Genetics (formerly Invitae), Labcorp
Classification: Pathogenic for Hereditary breast ovarian cancer syndrome. Last evaluated: 2021-07-15. Review status: criteria provided, single submitter. Criteria: Invitae Variant Classification Sherloc (09022015). Collection method: clinical testing. Allele origin: germline.
Comment: This variant is not present in population databases (ExAC no frequency). This sequence change creates a premature translational stop signal (p.Met3181Ilefs*8) in the BRCA2 gene. It is expected to result in an absent or disrupted protein product. Loss-of-function variants in BRCA2 are known to be pathogenic (PMID: 20104584). This variant has not been reported in the literature in individuals affected with BRCA2-related conditions. For these reasons, this variant has been classified as Pathogenic.

Literature cited by the submitters: PubMed 20104584.